The following is an entry in ClinVar:

ClinVar aggregate classification (germline): Uncertain significance (1 of 4 stars; one submission).

Conditions:
Myopathy, centronuclear, 2 (CNM2). Also called: MYOTUBULAR MYOPATHY, AUTOSOMAL RECESSIVE. Identifiers: Orphanet 169186, MedGen CN031787, MONDO:0009709, OMIM 255200.

Allele frequency attached by ClinVar (database versions not stated): gnomAD 0.00001; gnomAD exomes below 0.00001.
gnomAD v4.1: 3 of 1,610,418 alleles (0.00019%); highest among the groups gnomAD compares: Admixed American, 0.0017%; no homozygotes.

Submission:

Labcorp Genetics (formerly Invitae), Labcorp
Classification: Uncertain significance for Myopathy, centronuclear, 2. Last evaluated: 2025-11-02. Review status: criteria provided, single submitter. Criteria: Invitae Variant Classification Sherloc (09022015). Collection method: clinical testing. Allele origin: germline.
Comment: This sequence change falls in intron 6 of the BIN1 gene. It does not directly change the encoded amino acid sequence of the BIN1 protein. It affects a nucleotide within the consensus splice site. This variant is present in population databases (no rsID available, gnomAD 0.003%). This variant has not been reported in the literature in individuals affected with BIN1-related conditions. ClinVar contains an entry for this variant (Variation ID: 1509549). Variants that disrupt the consensus splice site are a relatively common cause of aberrant splicing (PMID: 17576681, 9536098). Algorithms developed to predict the effect of sequence changes on RNA splicing suggest that this variant is not likely to affect RNA splicing. In summary, the available evidence is currently insufficient to determine the role of this variant in disease. Therefore, it has been classified as a Variant of Uncertain Significance.

Literature cited by the submitters: PubMed 17576681; PubMed 9536098.

NM_139343.3(BIN1):c.520-3C>A

Gene: BIN1 (bridging integrator 1; minus strand). Cytogenetic location: 2q14.3.
Variant type: single nucleotide variant.
Coding change: c.520-3C>A on transcript NM_139343.3 (MANE Select); 3 bases into the intron before coding-DNA position 520, C replaced by A.
Molecular consequence: intron variant.
Genome position (GRCh38, 1-based): chr2:127,068,258, G>T on the plus strand (C>A on the coding strand, the complement: BIN1 is on the minus strand). VCF-style: chr2-127068258-G-T. GRCh37 (hg19) VCF-style: chr2-127825834-G-T.
Other names: c.439-3C>A (NM_001320642.1); c.447+666C>A (NM_001320634.1); c.519+666C>A (NM_139351.3, NM_139350.3, NM_139349.3 and 6 more transcripts); c.520-3C>A (NM_001320633.2, NM_139345.3, NM_139344.3 and 1 more transcripts).
Identifiers: ClinVar variation 1509549 (VCV001509549.6), dbSNP rs1455432609, ClinGen allele CA535624219.